The following is an entry in ClinVar:

NM_004793.4(LONP1):c.2586G>A (p.Thr862=)

Gene: LONP1 (lon peptidase 1, mitochondrial; minus strand). Cytogenetic location: 19p13.3.
Variant type: single nucleotide variant.
Coding change: c.2586G>A on transcript NM_004793.4 (MANE Select); coding-DNA position 2586, G replaced by A.
Protein change: p.Thr862=; no amino-acid change (threonine 862 retained).
Molecular consequence: synonymous variant. On other transcripts: non-coding transcript variant (1).
Genome position (GRCh38, 1-based): chr19:5,693,415, C>T on the plus strand (G>A on the coding strand, the complement: LONP1 is on the minus strand). VCF-style: chr19-5693415-C-T. GRCh37 (hg19) VCF-style: chr19-5693426-C-T.
Other names: c.2394G>A, p.Thr798= (NM_001276479.2); c.1998G>A, p.Thr666= (NM_001276480.1).
Identifiers: ClinVar variation 1422554 (VCV001422554.23), dbSNP rs141774590, ClinGen allele CA9114044.
Genomic context (GRCh38, chr19:5,693,415, plus strand): 5'-TTCGCCAGTCATGGCCAGATTCTGCCGGACAGGCCTGCCCATGGCCAGGGACAGCAGGGC[C>T]GTGACGATGGTGCAGCCTGCGCTTGGGCCGTCCTTGGGGGTGGCGCCCTGTGGAGGCATG-3'
Protein context (NP_004784.2, residues 852-872): DGPSAGCTIV[Thr862=]ALLSLAMGRP

ClinVar aggregate classification (germline): Likely benign. Review status: criteria provided, multiple submitters, no conflicts (2 of 4 stars). 2 submissions from 2 submitters: Likely benign (2). Last evaluated 2025-12-11.

Allele frequency attached by ClinVar (database versions not stated): ExAC 0.00007; ESP Exome Variant Server 0.00015.
gnomAD v4.1: 323 of 1,612,580 alleles (0.02%); highest among the groups gnomAD compares: Non-Finnish European, 0.026%; no homozygotes.

Submissions (2):

Labcorp Genetics (formerly Invitae), Labcorp
Classification: Likely benign. Last evaluated: 2025-12-11. Review status: criteria provided, single submitter. Criteria: Invitae Variant Classification Sherloc (09022015). Collection method: clinical testing. Allele origin: germline.

CeGaT Center for Human Genetics Tuebingen
Classification: Likely benign. Last evaluated: 2024-07-01. Review status: criteria provided, single submitter. Criteria: CeGaT Center For Human Genetics Tuebingen Variant Classification Criteria Version 2. Collection method: clinical testing. Allele origin: germline. Affected: yes. Observed: 1 variant allele.
Comment: LONP1: BP4, BP7